The following is an entry in ClinVar:

ClinVar aggregate classification (germline): Pathogenic. Review status: criteria provided, multiple submitters, no conflicts (2 of 4 stars). 2 submissions from 2 submitters: Pathogenic (2). Last evaluated 2025-01-10.

Conditions:
Cranioectodermal dysplasia 1 (CED1). Also called: LEVIN SYNDROME I. Identifiers: Orphanet 1515, MedGen C0432235, MONDO:0021093, OMIM 218330.

Allele frequency attached by ClinVar (database versions not stated): gnomAD exomes below 0.00001.

Submissions (2):

3billion
Classification: Pathogenic for Cranioectodermal dysplasia 1. Last evaluated: 2025-01-10. Review status: criteria provided, single submitter. Criteria: ACMG Guidelines, 2015. Collection method: clinical testing. Allele origin: germline. Affected: yes.
Comment: The variant is observed at an extremely low frequency in the gnomAD v4.1.0 dataset (total allele frequency: <0.001%). Predicted Consequence/Location: Frameshift: predicted to result in a loss or disruption of normal protein function through nonsense-mediated decay (NMD) or protein truncation. Multiple pathogenic variants are reported downstream of the variant. The variant has been reported to be associated with IFT122-related disorder (ClinVar ID: VCV002879426). Therefore, this variant is classified as Pathogenic according to the recommendation of ACMG/AMP guideline.

Labcorp Genetics (formerly Invitae), Labcorp
Classification: Pathogenic for Cranioectodermal dysplasia 1. Last evaluated: 2024-03-01. Review status: criteria provided, single submitter. Criteria: Invitae Variant Classification Sherloc (09022015). Collection method: clinical testing. Allele origin: germline.
Comment: This sequence change creates a premature translational stop signal (p.Glu706Lysfs*3) in the IFT122 gene. It is expected to result in an absent or disrupted protein product. Loss-of-function variants in IFT122 are known to be pathogenic (PMID: 20493458, 23826986, 26792575). This variant is present in population databases (no rsID available, gnomAD 0.006%). This variant has not been reported in the literature in individuals affected with IFT122-related conditions. For these reasons, this variant has been classified as Pathogenic.

Literature cited by the submitters: PubMed 20493458 (cited by Labcorp Genetics (formerly Invitae), Labcorp); PubMed 23826986 (cited by Labcorp Genetics (formerly Invitae), Labcorp); PubMed 26792575 (cited by Labcorp Genetics (formerly Invitae), Labcorp).

NM_052989.3(IFT122):c.1963del (p.Glu655fs)

Gene: IFT122 (intraflagellar transport 122; plus strand). Cytogenetic location: 3q21.3.
Variant type: Deletion.
Coding change: c.1963del on transcript NM_052989.3 (MANE Select); coding-DNA position 1963, one base deleted (G; older notation c.1963delG).
Protein change: p.Glu655fs; shifts the reading frame from glutamic acid 655.
Molecular consequence: frameshift variant.
Genome position (GRCh38, 1-based): chr3:129,488,368, G deleted. VCF-style (leftmost placement, unchanged base first): chr3-129488367-AG-A. GRCh37 (hg19) VCF-style: chr3-129207210-AG-A.
Other names: c.1630del, p.Glu544fs (NM_001410815.1, NM_001410817.1, NM_052990.3); c.1786del, p.Glu596fs (NM_018262.4, NM_001410810.1, NM_001410811.1 and 1 more transcripts); c.2116del, p.Glu706fs (NM_052985.4); c.1939del, p.Glu647fs (NM_001280541.2); c.1513del, p.Glu505fs (NM_001280545.2); c.1336del, p.Glu446fs (NM_001280546.2); c.1963del, p.Glu655fs (NM_001410808.1, NM_001410809.1); short protein forms E647fs, E706fs, E544fs, E596fs, E446fs, E505fs, E655fs.
Identifiers: ClinVar variation 2879426 (VCV002879426.4), dbSNP rs1559941008, ClinGen allele CA546216444.